The following is an entry in ClinVar:

ClinVar aggregate classification (germline): Pathogenic. Review status: criteria provided, multiple submitters, no conflicts (2 of 4 stars). 3 submissions from 3 submitters: Pathogenic (2). 1 of the submissions does not count toward it. Last evaluated 2024-06-13.

Conditions:
Autosomal dominant nonsyndromic hearing loss 11. Identifiers: Orphanet 90635, MedGen C1832475, MONDO:0011032, OMIM 601317.
Autosomal recessive nonsyndromic hearing loss 2. Also called: NEUROSENSORY NONSYNDROMIC RECESSIVE DEAFNESS 2; DEAFNESS, AUTOSOMAL RECESSIVE 2. Identifiers: Orphanet 90636, MedGen C1838701, MONDO:0010807, OMIM 600060.
Usher syndrome type 1 (USH1). Also called: RETINITIS PIGMENTOSA AND CONGENITAL DEAFNESS. Identifiers: Orphanet 231169, Orphanet 886, MedGen C1568247, MONDO:0010168, OMIM 276900.
Usher syndrome. Also called: Usher's syndrome; Usher Syndromes. Identifiers: Orphanet 886, MedGen CN469326, MeSH D052245, MONDO:0019501. Disease mechanism: loss of function.

gnomAD v4.1: 2 of 1,611,438 alleles (0.00012%); highest among the groups gnomAD compares: Non-Finnish European, 0.000085%; no homozygotes.

Submissions (3):

Fulgent Genetics
Classification: Pathogenic for Usher syndrome type 1; Autosomal recessive nonsyndromic hearing loss 2; Autosomal dominant nonsyndromic hearing loss 11. Last evaluated: 2024-06-13. Review status: criteria provided, single submitter. Criteria: ACMG Guidelines, 2015. Collection method: clinical testing. Allele origin: germline.

Labcorp Genetics (formerly Invitae), Labcorp
Classification: Pathogenic. Last evaluated: 2024-02-08. Review status: criteria provided, single submitter. Criteria: Invitae Variant Classification Sherloc (09022015). Collection method: clinical testing. Allele origin: germline.
Comment: This sequence change creates a premature translational stop signal (p.Tyr108*) in the MYO7A gene. It is expected to result in an absent or disrupted protein product. Loss-of-function variants in MYO7A are known to be pathogenic (PMID: 8900236, 25404053). This variant is not present in population databases (gnomAD no frequency). This premature translational stop signal has been observed in individual(s) with Usher syndrome (PMID: 28041643). ClinVar contains an entry for this variant (Variation ID: 438176). Algorithms developed to predict the effect of sequence changes on RNA splicing suggest that this variant may disrupt the consensus splice site. For these reasons, this variant has been classified as Pathogenic.

NIHR Bioresource Rare Diseases, University of Cambridge
Classification: Likely pathogenic for Usher syndrome. Last evaluated: 2015-01-01. Review status: no assertion criteria provided. Collection method: research. Allele origin: unknown. Affected: yes. Observed: 1 variant allele. Not counted in ClinVar's aggregate classification.

Literature cited by the submitters: PubMed 8900236 (cited by Labcorp Genetics (formerly Invitae), Labcorp); PubMed 25404053 (cited by Labcorp Genetics (formerly Invitae), Labcorp); PubMed 28041643 (cited by Labcorp Genetics (formerly Invitae), Labcorp and NIHR Bioresource Rare Diseases, University of Cambridge).

NM_000260.4(MYO7A):c.324C>A (p.Tyr108Ter)

Gene: MYO7A (myosin VIIA; plus strand). Cytogenetic location: 11q13.5.
Variant type: single nucleotide variant.
Coding change: c.324C>A on transcript NM_000260.4 (MANE Select); coding-DNA position 324, C replaced by A.
Protein change: p.Tyr108Ter; replaces tyrosine 108 with a stop codon.
Molecular consequence: nonsense.
Genome position (GRCh38, 1-based): chr11:77,155,945, C>A. VCF-style: chr11-77155945-C-A. GRCh37 (hg19) VCF-style: chr11-76866991-C-A.
Other names: c.324C>A, p.Tyr108Ter (NM_001127180.2); c.291C>A, p.Tyr97Ter (NM_001369365.1); short protein forms Y108*, Y97*.
Identifiers: ClinVar variation 438176 (VCV000438176.9), dbSNP rs116892396, ClinGen allele CA381931149.